The following is an entry in ClinVar:

NM_183235.3(RAB27A):c.619dup (p.Thr207fs)

Gene: RAB27A (RAB27A, member RAS oncogene family; minus strand). Cytogenetic location: 15q21.3.
Variant type: Duplication.
Coding change: c.619dup on transcript NM_183235.3 (MANE Select); coding-DNA position 619, one base duplicated (A; older notation c.619dupA).
Protein change: p.Thr207fs; shifts the reading frame from threonine 207.
Molecular consequence: frameshift variant.
Genome position (GRCh38, 1-based): chr15:55,205,554, T duplicated on the plus strand (A on the coding strand, the reverse complement: RAB27A is on the minus strand). VCF-style (leftmost placement, unchanged base first): chr15-55205553-G-GT. GRCh37 (hg19) VCF-style: chr15-55497751-G-GT.
Other names: c.619dup, p.Thr207fs (NM_004580.5, NM_183236.3); c.619dup, p.Thr207Asnfs (NM_183234.3); short protein forms T207fs.
Identifiers: ClinVar variation 2116557 (VCV002116557.4), dbSNP rs2542606813, ClinGen allele CA2580089801.

ClinVar aggregate classification (germline): Uncertain significance (1 of 4 stars; one submission).

Conditions:
Griscelli syndrome type 2 (GS2). Also called: PAID SYNDROME; PARTIAL ALBINISM AND IMMUNODEFICIENCY SYNDROME; GRISCELLI SYNDROME WITH HEMOPHAGOCYTIC SYNDROME. Identifiers: Orphanet 381, Orphanet 79477, MedGen C1868679, MONDO:0011872, OMIM 607624.

Submission:

Labcorp Genetics (formerly Invitae), Labcorp
Classification: Uncertain significance for Griscelli syndrome type 2. Last evaluated: 2022-03-24. Review status: criteria provided, single submitter. Criteria: Invitae Variant Classification Sherloc (09022015). Collection method: clinical testing. Allele origin: germline.
Comment: In summary, the available evidence is currently insufficient to determine the role of this variant in disease. Therefore, it has been classified as a Variant of Uncertain Significance. Experimental studies and prediction algorithms are not available or were not evaluated, and the functional significance of this variant is currently unknown. This variant has not been reported in the literature in individuals affected with RAB27A-related conditions. This variant is not present in population databases (gnomAD no frequency). This sequence change creates a premature translational stop signal (p.Thr207Asnfs*6) in the RAB27A gene. While this is not anticipated to result in nonsense mediated decay, it is expected to disrupt the last 15 amino acid(s) of the RAB27A protein.